The following is an entry in ClinVar:

ClinVar aggregate classification (germline): Pathogenic (1 of 4 stars; one submission).

Conditions:
Neurofibromatosis, type 1 (NF1). Also called: Peripheral type neurofibromatosis; VON RECKLINGHAUSEN DISEASE; Neurofibromatosis, type I; NEUROFIBROMATOSIS, TYPE I, SOMATIC. Identifiers: Orphanet 636, MedGen C0027831, MONDO:0018975, OMIM 162200. Disease mechanism: loss of function.

Submission:

Labcorp Genetics (formerly Invitae), Labcorp
Classification: Pathogenic for Neurofibromatosis, type 1. Last evaluated: 2024-03-26. Review status: criteria provided, single submitter. Criteria: Invitae Variant Classification Sherloc (09022015). Collection method: clinical testing. Allele origin: germline.
Comment: This sequence change creates a premature translational stop signal (p.Ser876Valfs*3) in the NF1 gene. It is expected to result in an absent or disrupted protein product. Loss-of-function variants in NF1 are known to be pathogenic (PMID: 10712197, 23913538). This variant is not present in population databases (gnomAD no frequency). This variant has not been reported in the literature in individuals affected with NF1-related conditions. For these reasons, this variant has been classified as Pathogenic.

Literature cited by the submitters: PubMed 10712197; PubMed 23913538.

NM_001042492.3(NF1):c.2623_2624dup (p.Ser876fs)

Gene: NF1 (neurofibromin 1; plus strand). Cytogenetic location: 17q11.2.
Variant type: Duplication.
Coding change: c.2623_2624dup on transcript NM_001042492.3 (MANE Select); coding-DNA positions 2623 to 2624, 2 bases duplicated (GG; older notation c.2623_2624dupGG).
Protein change: p.Ser876fs; shifts the reading frame from serine 876.
Molecular consequence: frameshift variant.
Genome position (GRCh38, 1-based): chr17:31,229,238-31,229,239, GG duplicated; duplicating any 2 consecutive bases within chr17:31,229,237-31,229,239 gives the same sequence; the c. name uses the placement nearest the transcript's 3' end. VCF-style (leftmost placement, unchanged base first): chr17-31229236-A-AGG. GRCh37 (hg19) VCF-style: chr17-29556254-A-AGG.
Other names: c.2623_2624dup, p.Ser876Valfs (NM_000267.4); short protein forms S876fs.
Identifiers: ClinVar variation 3647634 (VCV003647634.2).
Genomic context (GRCh38, chr17:31,229,236, plus strand): 5'-AGAGAAGCAATTCTGGCCTGGCAACCTATAGCCCACCCATGGGTCCAGTCAGTGAACGTA[A>AGG]GGGTTCTATGATTTCAGTGATGTCTTCAGAGGGAAACGCAGATACACCTGTCAGCAAATT-3'